The following is an entry in ClinVar:

ClinVar aggregate classification (germline): Benign. Review status: criteria provided, multiple submitters, no conflicts (2 of 4 stars). 5 submissions from 5 submitters: Benign (5). Last evaluated 2026-02-03.

Conditions:
Charcot-Marie-Tooth disease. Also called: Charcot-Marie-Tooth Neuropathy; Charcot-Marie-Tooth Hereditary Neuropathy. Identifiers: Orphanet 166, MedGen C0007959, MONDO:0015626.
Neuronopathy, distal hereditary motor, autosomal recessive 5. Also called: Young adult-onset distal hereditary motor neuropathy; NEUROPATHY, DISTAL HEREDITARY MOTOR, AUTOSOMAL RECESSIVE 5; Spinal muscular atrophy, distal, autosomal recessive, 5. Identifiers: Orphanet 314485, Orphanet 443950, MedGen C4749918, MONDO:0013947, OMIM 614881.

Allele frequency attached by ClinVar (database versions not stated): 1000 Genomes Project 0.26977; ESP Exome Variant Server 0.27849; TOPMed 0.27714; gnomAD 0.26148 and 0.25650; 1000 Genomes Project 30x 0.27748.
gnomAD v4.1: 306,913 of 1,606,996 alleles (19%); highest among the groups gnomAD compares: African/African-American, 49%; 34,076 homozygotes.

Submissions (5):

Labcorp Genetics (formerly Invitae), Labcorp
Classification: Benign for Neuronopathy, distal hereditary motor, autosomal recessive 5. Last evaluated: 2026-02-03. Review status: criteria provided, single submitter. Criteria: Invitae Variant Classification Sherloc (09022015). Collection method: clinical testing. Allele origin: germline.

Genome-Nilou Lab
Classification: Benign for Neuronopathy, distal hereditary motor, autosomal recessive 5. Last evaluated: 2021-07-30. Review status: criteria provided, single submitter. Criteria: ACMG Guidelines, 2015. Collection method: clinical testing. Allele origin: germline. Affected: no.

GeneDx
Classification: Benign. Last evaluated: 2014-04-01. Review status: criteria provided, single submitter. Criteria: GeneDx Variant Classification (06012015). Collection method: clinical testing. Allele origin: germline. Affected: yes.
Comment: This variant is considered likely benign or benign based on one or more of the following criteria: it is a conservative change, it occurs at a poorly conserved position in the protein, it is predicted to be benign by multiple in silico algorithms, and/or has population frequency not consistent with disease.

Breakthrough Genomics
Classification: Benign. Review status: criteria provided, single submitter. Criteria: ACMG Guidelines, 2015. Collection method: not provided. Allele origin: germline. Inheritance: Autosomal recessive inheritance. Affected: yes.

Molecular Genetics Laboratory, London Health Sciences Centre
Classification: Benign for Charcot-Marie-Tooth disease. Review status: criteria provided, single submitter. Criteria: ACMG Guidelines, 2015. Collection method: clinical testing. Allele origin: germline. Affected: yes.

NM_006736.6(DNAJB2):c.66-14C>T

Gene: DNAJB2 (DnaJ heat shock protein family (Hsp40) member B2; plus strand). Cytogenetic location: 2q35.
Variant type: single nucleotide variant.
Coding change: c.66-14C>T on transcript NM_006736.6 (MANE Select); 14 bases into the intron before coding-DNA position 66, C replaced by T.
Molecular consequence: intron variant.
Genome position (GRCh38, 1-based): chr2:219,280,564, C>T. VCF-style: chr2-219280564-C-T. GRCh37 (hg19) VCF-style: chr2-220145286-C-T.
Other names: c.66-14C>T (NM_001039550.2).
Identifiers: ClinVar variation 137118 (VCV000137118.14), dbSNP rs2276638, ClinGen allele CA290640.
Genomic context (GRCh38, chr2:219,280,564, plus strand): 5'-AGGTCGTTCGGTTCCTGGGTGGGAAGTGCCTGCATTTGTCCCCCGACTCTCTCCTCTGCA[C>T]CCACTTTCTGCAGGTATCGGCGCAAGGCTCTCCAGTGGCACCCAGACAAAAACCCAGATA-3'